The following is an entry in ClinVar:

NM_001985.3(ETFB):c.376-227C>T

Gene: ETFB (electron transfer flavoprotein subunit beta; minus strand). Cytogenetic location: 19q13.41.
Variant type: single nucleotide variant.
Coding change: c.376-227C>T on transcript NM_001985.3 (MANE Select); 227 bases into the intron before coding-DNA position 376, C replaced by T.
Molecular consequence: intron variant.
Genome position (GRCh38, 1-based): chr19:51,350,618, G>A on the plus strand (C>T on the coding strand, the complement: ETFB is on the minus strand). VCF-style: chr19-51350618-G-A. GRCh37 (hg19) VCF-style: chr19-51853872-G-A.
Other names: c.649-227C>T (NM_001014763.1).
Identifiers: ClinVar variation 680106 (VCV000680106.1), dbSNP rs2042292, ClinGen allele CA14678238.

ClinVar aggregate classification (germline): Benign (1 of 4 stars; one submission).

Allele frequency attached by ClinVar (database versions not stated): 1000 Genomes Project 0.80331; 1000 Genomes Project 30x 0.80465; TOPMed 0.85638; gnomAD 0.86944 and 0.87826.
gnomAD v4.1: 132,305 of 152,136 alleles (87%); highest among the groups gnomAD compares: African/African-American, 94%; 58,095 homozygotes.

Submission:

GeneDx
Classification: Benign. Last evaluated: 2018-06-19. Review status: criteria provided, single submitter. Criteria: GeneDx Variant Classification (06012015). Collection method: clinical testing. Allele origin: germline. Affected: yes.
Comment: This variant is considered likely benign or benign based on one or more of the following criteria: it is a conservative change, it occurs at a poorly conserved position in the protein, it is predicted to be benign by multiple in silico algorithms, and/or has population frequency not consistent with disease.